The following is an entry in ClinVar:

NM_173728.4(ARHGEF15):c.887C>T (p.Pro296Leu)

Gene: ARHGEF15 (Rho guanine nucleotide exchange factor 15; plus strand). Cytogenetic location: 17p13.1.
Variant type: single nucleotide variant.
Coding change: c.887C>T on transcript NM_173728.4 (MANE Select); coding-DNA position 887, C replaced by T.
Protein change: p.Pro296Leu; replaces proline 296 with leucine.
Molecular consequence: missense variant.
Genome position (GRCh38, 1-based): chr17:8,313,207, C>T. VCF-style: chr17-8313207-C-T. GRCh37 (hg19) VCF-style: chr17-8216525-C-T.
Other names: c.887C>T, p.Pro296Leu (NM_025014.2); short protein forms P296L.
Identifiers: ClinVar variation 652840 (VCV000652840.8), dbSNP rs1436984970, ClinGen allele CA398017860.

ClinVar aggregate classification (germline): Uncertain significance (1 of 4 stars; one submission).

Conditions:
Early-infantile DEE. Also called: Early infantile epileptic encephalopathy with suppression bursts; Early infantile epileptic encephalopathy; Ohtahara syndrome. Identifiers: Orphanet 1934, MedGen C0393706, MONDO:0800491.

Allele frequency attached by ClinVar (database versions not stated): gnomAD exomes 0.00001; gnomAD 0.00004 and 0.00005; TOPMed 0.00007.
gnomAD v4.1: 27 of 1,607,240 alleles (0.0017%); highest among the groups gnomAD compares: African/African-American, 0.013%; no homozygotes.

Submission:

Labcorp Genetics (formerly Invitae), Labcorp
Classification: Uncertain significance for Early-infantile DEE. Last evaluated: 2023-11-19. Review status: criteria provided, single submitter. Criteria: Invitae Variant Classification Sherloc (09022015). Collection method: clinical testing. Allele origin: germline.
Comment: This sequence change replaces proline, which is neutral and non-polar, with leucine, which is neutral and non-polar, at codon 296 of the ARHGEF15 protein (p.Pro296Leu). This variant is present in population databases (no rsID available, gnomAD 0.01%). This variant has not been reported in the literature in individuals affected with ARHGEF15-related conditions. ClinVar contains an entry for this variant (Variation ID: 652840). Algorithms developed to predict the effect of missense changes on protein structure and function output the following: SIFT: "Not Available"; PolyPhen-2: "Benign"; Align-GVGD: "Not Available". The leucine amino acid residue is found in multiple mammalian species, which suggests that this missense change does not adversely affect protein function. In summary, the available evidence is currently insufficient to determine the role of this variant in disease. Therefore, it has been classified as a Variant of Uncertain Significance.